The following is an entry in ClinVar:

NM_000384.3(APOB):c.831G>T (p.Gly277=)

Gene: APOB (apolipoprotein B; minus strand). Cytogenetic location: 2p24.1.
Variant type: single nucleotide variant.
Coding change: c.831G>T on transcript NM_000384.3 (MANE Select); coding-DNA position 831, G replaced by T.
Protein change: p.Gly277=; no amino-acid change (glycine 277 retained).
Molecular consequence: synonymous variant.
Genome position (GRCh38, 1-based): chr2:21,034,889, C>A on the plus strand (G>T on the coding strand, the complement: APOB is on the minus strand). VCF-style: chr2-21034889-C-A. GRCh37 (hg19) VCF-style: chr2-21257761-C-A.
Identifiers: ClinVar variation 4532944 (VCV004532944.2).
Genomic context (GRCh38, chr2:21,034,889, plus strand): 5'-GCGGCTGTTGATCTTTGGTGTGTCTTCAAGTTTCAAAGTCTGTGTCACTTGTGCTACCAT[C>A]CCATACTTATTCCTGGTAACCAAGGAAGCACACCATGTCACGGATGGCCAGAACATACTA-3'
Protein context (NP_000375.3, residues 267-287): FLPFSYKNKY[Gly277=]MVAQVTQTLK

ClinVar aggregate classification (germline): Conflicting classifications of pathogenicity. Review status: criteria provided, conflicting classifications (1 of 4 stars). 2 submissions from 2 submitters: Uncertain significance (1); Likely benign (1). Last evaluated 2026-06-09.

Conditions:
Cardiovascular phenotype. Identifiers: MedGen CN230736.

Submissions (2):

Ambry Genetics
Classification: Likely benign for Cardiovascular phenotype. Last evaluated: 2026-06-09. Review status: criteria provided, single submitter. Criteria: Ambry Variant Classification Scheme 2023. Collection method: clinical testing. Allele origin: germline.

Quest Diagnostics Nichols Institute San Juan Capistrano
Classification: Uncertain significance. Last evaluated: 2025-04-11. Review status: criteria provided, single submitter. Criteria: Quest Diagnostics criteria. Collection method: clinical testing. Allele origin: unknown.
Comment: The APOB c.831G>T (p.Gly277=) synonymous variant has not been reported in individuals with APOB-related conditions in the published literature. It also has not been reported in large, multi-ethnic general populations (Genome Aggregation Database). Analysis of this variant using software algorithms for the prediction of the effect of nucleotide changes on splicing yielded predictions that this variant does not affect APOB mRNA splicing. Based on the available information, we are unable to determine the clinical significance of this variant.